The following is an entry in ClinVar:

NM_001876.4(CPT1A):c.1296G>A (p.Pro432=)

Genes: CPT1A (carnitine palmitoyltransferase 1A; minus strand), LOC126861244 (BRD4-independent group 4 enhancer GRCh37_chr11:68549035-68550234; plus strand). Cytogenetic location: 11q13.3.
Variant type: single nucleotide variant.
Coding change: c.1296G>A on transcript NM_001876.4 (MANE Select); coding-DNA position 1296, G replaced by A.
Protein change: p.Pro432=; no amino-acid change (proline 432 retained).
Molecular consequence: synonymous variant.
Genome position (GRCh38, 1-based): chr11:68,781,827, C>T on the plus strand (G>A on the coding strand, the complement: CPT1A is on the minus strand). VCF-style: chr11-68781827-C-T. GRCh37 (hg19) VCF-style: chr11-68549295-C-T.
Other names: c.1296G>A, p.Pro432= (NM_001031847.3).
Identifiers: ClinVar variation 766388 (VCV000766388.12), dbSNP rs756320661, ClinGen allele CA6152359.

ClinVar aggregate classification (germline): Likely benign. Review status: criteria provided, multiple submitters, no conflicts (2 of 4 stars). 2 submissions from 2 submitters: Likely benign (2). Last evaluated 2026-02-12.

Conditions:
Carnitine palmitoyl transferase 1A deficiency. Also called: CPT deficiency, hepatic, type IA; Carnitine palmitoyltransferase 1A deficiency; Carnitine palmitoyltransferase type I deficiency; CPT I DEFICIENCY; CPT DEFICIENCY, HEPATIC, TYPE I. Identifiers: Orphanet 156, MedGen C1829703, MONDO:0009705, OMIM 255120.
CPT1A-related disorder. Also called: CPT1A-related condition.

Allele frequency attached by ClinVar (database versions not stated): ExAC 0.00004; TOPMed 0.00005.
gnomAD v4.1: 76 of 1,614,002 alleles (0.0047%); highest among the groups gnomAD compares: Non-Finnish European, 0.0058%; no homozygotes.

Submissions (2):

PreventionGenetics, part of Exact Sciences
Classification: Likely benign for CPT1A-related condition. Last evaluated: 2026-02-12. Review status: criteria provided, single submitter. Criteria: ACMG Guidelines, 2015. Collection method: clinical testing. Allele origin: germline.
Comment: This variant is classified as likely benign based on ACMG/AMP sequence variant interpretation guidelines (Richards et al. 2015 PMID: 25741868, with internal and published modifications).

Labcorp Genetics (formerly Invitae), Labcorp
Classification: Likely benign for Carnitine palmitoyl transferase 1A deficiency. Last evaluated: 2025-12-20. Review status: criteria provided, single submitter. Criteria: Invitae Variant Classification Sherloc (09022015). Collection method: clinical testing. Allele origin: germline.